The following is an entry in ClinVar:

ClinVar aggregate classification (germline): Likely benign. Review status: criteria provided, multiple submitters, no conflicts (2 of 4 stars). 3 submissions from 3 submitters: Likely benign (3). Last evaluated 2026-01-26.

Conditions:
PDLIM3-related disorder. Also called: PDLIM3-related condition.
Hypertrophic cardiomyopathy. Also called: HYPERTROPHIC MYOCARDIOPATHY. Identifiers: Orphanet 217569, MedGen C0007194, MeSH D002312, MONDO:0005045, HP:0001639.
Primary dilated cardiomyopathy (DCM). Also called: Dilated Cardiomyopathy. Identifiers: Orphanet 217604, MedGen C0007193, MeSH D002311, MONDO:0005021, HP:0001644. Inheritance: Various modes of inheritance.

Allele frequency attached by ClinVar (database versions not stated): TOPMed 0.00001; ExAC 0.00002; gnomAD exomes 0.00002; gnomAD 0.00004; ESP Exome Variant Server 0.00008.
gnomAD v4.1: 31 of 1,613,920 alleles (0.0019%); highest among the groups gnomAD compares: Middle Eastern, 0.016%; no homozygotes.

Submissions (3):

PreventionGenetics, part of Exact Sciences
Classification: Likely benign for PDLIM3-related condition. Last evaluated: 2026-01-26. Review status: criteria provided, single submitter. Criteria: ACMG Guidelines, 2015. Collection method: clinical testing. Allele origin: germline.
Comment: This variant is classified as likely benign based on ACMG/AMP sequence variant interpretation guidelines (Richards et al. 2015 PMID: 25741868, with internal and published modifications).

Labcorp Genetics (formerly Invitae), Labcorp
Classification: Likely benign for Hypertrophic cardiomyopathy; Primary dilated cardiomyopathy. Last evaluated: 2026-01-06. Review status: criteria provided, single submitter. Criteria: Invitae Variant Classification Sherloc (09022015). Collection method: clinical testing. Allele origin: germline.

GeneDx
Classification: Likely benign. Last evaluated: 2016-08-16. Review status: criteria provided, single submitter. Criteria: GeneDx Variant Classification (06012015). Collection method: clinical testing. Allele origin: germline. Affected: yes.
Comment: This variant is considered likely benign or benign based on one or more of the following criteria: it is a conservative change, it occurs at a poorly conserved position in the protein, it is predicted to be benign by multiple in silico algorithms, and/or has population frequency not consistent with disease.

NM_014476.6(PDLIM3):c.858C>T (p.Gly286=)

Gene: PDLIM3 (PDZ and LIM domain 3; minus strand). Cytogenetic location: 4q35.1.
Variant type: single nucleotide variant.
Coding change: c.858C>T on transcript NM_014476.6 (MANE Select); coding-DNA position 858, C replaced by T.
Protein change: p.Gly286=; no amino-acid change (glycine 286 retained).
Molecular consequence: synonymous variant. On other transcripts: non-coding transcript variant (1).
Genome position (GRCh38, 1-based): chr4:185,504,522, G>A on the plus strand (C>T on the coding strand, the complement: PDLIM3 is on the minus strand). VCF-style: chr4-185504522-G-A. GRCh37 (hg19) VCF-style: chr4-186425676-G-A.
Other names: c.714C>T, p.Gly238= (NM_001114107.5); c.594C>T, p.Gly198= (NM_001257962.2); c.357C>T, p.Gly119= (NM_001257963.2).
Identifiers: ClinVar variation 388742 (VCV000388742.10), dbSNP rs151318437, ClinGen allele CA3159666.
Genomic context (GRCh38, chr4:185,504,522, plus strand): 5'-AAGTGAAACTTACACTATGCCACTCCCACATTTGTCACAGAGCGGCATCCTCTGTGCCCC[G>A]CCTGAACCGCCATGGACTTTCGTCACCGGAGCTCTCACACTCCGCGTTCCAGCCGGACGG-3'
Protein context (NP_055291.2, residues 276-296): APVTKVHGGS[Gly286=]GAQRMPLCDK